The following is an entry in ClinVar:

NM_001126108.2(SLC12A3):c.1670-191C>T

Gene: SLC12A3 (solute carrier family 12 member 3; plus strand). Cytogenetic location: 16q13.
Variant type: single nucleotide variant.
Coding change: c.1670-191C>T on transcript NM_001126108.2 (MANE Select); 191 bases into the intron before coding-DNA position 1670, C replaced by T.
Molecular consequence: intron variant.
Genome position (GRCh38, 1-based): chr16:56,883,858, C>T. VCF-style: chr16-56883858-C-T. GRCh37 (hg19) VCF-style: chr16-56917770-C-T.
Other names: c.1670-191C>T (NM_000339.3); c.1667-191C>T (NM_001126107.2).
Identifiers: ClinVar variation 665361 (VCV000665361.33), dbSNP rs374182921, ClinGen allele CA281504280.

ClinVar aggregate classification (germline): Pathogenic. Review status: criteria provided, multiple submitters, no conflicts (2 of 4 stars). 16 submissions from 16 submitters: Pathogenic (14). 2 of the submissions do not count toward it. Last evaluated 2026-01-02.

Conditions:
SLC12A3-related disorder. Also called: SLC12A3-related condition.
Familial hypokalemia-hypomagnesemia (GTLMNS). Also called: HYPOMAGNESEMIA-HYPOKALEMIA, PRIMARY RENOTUBULAR, WITH HYPOCALCIURIA; POTASSIUM AND MAGNESIUM DEPLETION; gitelman syndrome. Identifiers: Orphanet 358, MedGen C0268450, MONDO:0009904, OMIM 263800.

Allele frequency attached by ClinVar (database versions not stated): TOPMed 0.00002; gnomAD 0.00003; 1000 Genomes Project 0.00040; 1000 Genomes Project 30x 0.00047.
gnomAD v4.1: 2 of 152,332 alleles (0.0013%); highest among the groups gnomAD compares: South Asian, 0.021%; no homozygotes.

Submissions (16):

Labcorp Genetics (formerly Invitae), Labcorp
Classification: Pathogenic. Last evaluated: 2026-01-02. Review status: criteria provided, single submitter. Criteria: Invitae Variant Classification Sherloc (09022015). Collection method: clinical testing. Allele origin: germline.
Comment: This sequence change falls in intron 13 of the SLC12A3 gene. It does not directly change the encoded amino acid sequence of the SLC12A3 protein. RNA analysis indicates that this variant induces altered splicing and may result in an absent or altered protein product. This variant is present in population databases (rs374182921, gnomAD 0.06%). This variant has been observed in individual(s) with SLC12A3-related conditions (PMID: 19668106, 21051746). In at least one individual the data is consistent with being in trans (on the opposite chromosome) from a pathogenic variant. It has also been observed to segregate with disease in related individuals. ClinVar contains an entry for this variant (Variation ID: 665361). Studies have shown that this variant results in activation of a cryptic splice site, and produces a non-functional protein and/or introduces a premature termination codon (PMID: 19668106). For these reasons, this variant has been classified as Pathogenic.

3billion
Classification: Pathogenic for Familial hypokalemia-hypomagnesemia. Last evaluated: 2025-12-22. Review status: criteria provided, single submitter. Criteria: ACMG Guidelines, 2015. Collection method: clinical testing. Allele origin: germline. Affected: yes.
Comment: The variant is observed at an extremely low frequency in the gnomAD v4.1.0 dataset (total allele frequency: 0.001%). Predicted Consequence/Location: Intron variant In silico tools predict the variant to alter splicing and produce an abnormal transcript [SpliceAI: 0.72 (>=0.2, moderate evidence for spliceogenicity)]. The variant has been reported to be in trans with a pathogenic variant as either compound heterozygous or homozygous in at least 2 similarly affected unrelated individuals (PMID: 21051746, 32860008). The variant has been reported at least twice as pathogenic with clinical assertions and evidence for the classification (ClinVar ID: VCV000665361 /PMID: 19668106 /3billion dataset). Therefore, this variant is classified as Pathogenic according to the recommendation of ACMG/AMP guideline.

First Genomix Gene Laboratory, Genetic Diagnostics Department
Classification: Pathogenic for Familial hypokalemia-hypomagnesemia. Last evaluated: 2025-08-26. Review status: criteria provided, single submitter. Criteria: ACMG Guidelines, 2015. Collection method: clinical testing. Allele origin: germline. Inheritance: Autosomal recessive inheritance. Affected: no. Observed: 1 variant allele.

Genomic Medicine Center of Excellence, King Faisal Specialist Hospital and Research Centre
Classification: Pathogenic for Familial hypokalemia-hypomagnesemia. Last evaluated: 2025-01-04. Review status: criteria provided, single submitter. Criteria: ACMG Guidelines, 2015. Collection method: clinical testing. Allele origin: germline.

Blueprint Genetics
Classification: Pathogenic for SLC12A3-related disorders. Last evaluated: 2024-10-21. Review status: criteria provided, single submitter. Criteria: ACMG Guidelines, 2015. Collection method: clinical testing. Allele origin: germline. Affected: yes. Observed: 5 variant alleles.

Dubai Health Genomic Medicine Center, Dubai Health
Classification: Pathogenic for Gitelman syndrome. Last evaluated: 2024-10-04. Review status: criteria provided, single submitter. Criteria: ACMG Guidelines, 2015. Collection method: research. Allele origin: germline. Affected: yes.
Comment: PS3, PM2, PM3(strong), PP3,PP1

Women's Health and Genetics/Laboratory Corporation of America, LabCorp
Classification: Pathogenic for Familial hypokalemia-hypomagnesemia. Last evaluated: 2024-10-04. Review status: criteria provided, single submitter. Criteria: LabCorp Variant Classification Summary - May 2015. Collection method: clinical testing. Allele origin: germline.
Comment: Variant summary: SLC12A3 c.1670-191C>T is located at a position not widely known to affect splicing. Computational tools predict a significant impact on normal splicing: Three predict the variant creates a cryptic 5' donor site. At least one publication reports experimental evidence that this variant affects mRNA splicing, resulting in the inclusing of a pseudoexon by activating a cryptic splice donor site (Viering_2023). The variant allele was found at a frequency of 3.2e-05 in 31384 control chromosomes (gnomAD). c.1670-191C>T has been reported in the literature in multiple individuals affected with Familial Hypokalemia-Hypomagnesemia (e.g. Viering_2023). These data indicate that the variant is very likely to be associated with disease. The following publication has been ascertained in the context of this evaluation (PMID: 36302598). ClinVar contains an entry for this variant (Variation ID: 665361). Based on the evidence outlined above, the variant was classified as pathogenic.

GeneDx
Classification: Pathogenic. Last evaluated: 2022-05-31. Review status: criteria provided, single submitter. Criteria: GeneDx Variant Classification Process June 2021. Collection method: clinical testing. Allele origin: germline. Affected: yes.
Comment: Published functional studies demonstrated that this variant activates a cryptic splice site (Lo et al., 2011; Nozu et al., 2009); Not observed at significant frequency in large population cohorts (gnomAD); In silico analysis, which includes splice predictors and evolutionary conservation, suggests this variant may impact gene splicing.; This variant is associated with the following publications: (PMID: 30596175, 32860008, 19668106, 21051746)

Fulgent Genetics
Classification: Pathogenic for Familial hypokalemia-hypomagnesemia. Last evaluated: 2022-05-02. Review status: criteria provided, single submitter. Criteria: ACMG Guidelines, 2015. Collection method: clinical testing. Allele origin: unknown.

European Hospital Georges Pompidou Genetics Department, Assistance Publique - Hôpitaux de Paris AP-HP
Classification: Pathogenic for Familial hypokalemia-hypomagnesemia. Last evaluated: 2022-04-27. Review status: criteria provided, single submitter. Criteria: ACMG Guidelines, 2015. Collection method: clinical testing, in vitro. Allele origin: germline. Affected: yes.
Comment: ACMG criteria used:PS4 PS3, PM2, PM3, PP3, PP5

Genome-Nilou Lab
Classification: Pathogenic for Familial hypokalemia-hypomagnesemia. Last evaluated: 2021-07-15. Review status: criteria provided, single submitter. Criteria: ACMG Guidelines, 2015. Collection method: clinical testing. Allele origin: germline. Affected: no.

Revvity Omics, Revvity
Classification: Pathogenic for Familial hypokalemia-hypomagnesemia. Last evaluated: 2019-11-14. Review status: criteria provided, single submitter. Criteria: ACMG Guidelines, 2015. Collection method: clinical testing. Allele origin: germline.

CENTOGENE GmbH and LLC - Guiding Precision Medicine
Classification: Pathogenic for Familial hypokalemia-hypomagnesemia. Review status: criteria provided, single submitter. Criteria: ACMG Guidelines, 2015. Collection method: clinical testing. Allele origin: germline. Affected: yes.

Juno Genomics, Hangzhou Juno Genomics, Inc
Classification: Pathogenic for Familial hypokalemia-hypomagnesemia. Review status: criteria provided, single submitter. Criteria: ACMG Guidelines, 2015. Collection method: clinical testing. Allele origin: germline.
Comment: Absent from controls (or at extremely low frequency if recessive) in Genome Aggregation Database.;Well-established in vitro or in vivo functional studies supportive of a damaging effect on the gene or gene product.;For recessive disorders, detected in trans with a pathogenic variant.;Patient's phenotype or family history is highly specific for a disease with a single genetic etiology.

PreventionGenetics, part of Exact Sciences
Classification: Pathogenic for SLC12A3-related condition. Last evaluated: 2024-07-30. Review status: no assertion criteria provided. Collection method: clinical testing. Allele origin: germline. Not counted in ClinVar's aggregate classification.
Comment: The SLC12A3 c.1670-191C>T variant is predicted to interfere with splicing. This variant has been reported in the compound heterozygous and homozygous state in several individuals with Gitelman syndrome (Nozu et al. 2009. PubMed ID: 19668106; Lo et al. 2010. PubMed ID: 21051746; Supp. Table 1 in Fujimura et al. 2018. PubMed ID: 30596175). Analysis of mRNA from patients indicates that this variant results in activation of a cryptic donor site and a 238-bp insertion (Nozu et al. 2009. PubMed ID: 19668106; Lo et al. 2010. PubMed ID: 21051746). This variant is reported in 0.064% of alleles in individuals of East Asian descent in gnomAD. This variant is interpreted as pathogenic.

Natera, Inc.
Classification: Pathogenic for Gitelman syndrome. Last evaluated: 2020-09-16. Review status: no assertion criteria provided. Collection method: clinical testing. Allele origin: germline. Not counted in ClinVar's aggregate classification.

Literature cited by the submitters: PubMed 19668106 (cited by Labcorp Genetics (formerly Invitae), Labcorp and 3billion); PubMed 21051746 (cited by Labcorp Genetics (formerly Invitae), Labcorp and 3billion); PubMed 32860008 (cited by 3billion and CENTOGENE GmbH and LLC - Guiding Precision Medicine); PubMed 36302598 (cited by Women's Health and Genetics/Laboratory Corporation of America, LabCorp).